The following is an entry in ClinVar:

NM_173651.4(FSIP2):c.9171T>C (p.Thr3057=)

Genes: FSIP2 (fibrous sheath interacting protein 2; plus strand), FSIP2-AS1 (FSIP2 antisense RNA 1; minus strand). Cytogenetic location: 2q32.1.
Variant type: single nucleotide variant.
Coding change: c.9171T>C on transcript NM_173651.4 (MANE Select); coding-DNA position 9171, T replaced by C.
Protein change: p.Thr3057=; no amino-acid change (threonine 3057 retained).
Molecular consequence: synonymous variant.
Genome position (GRCh38, 1-based): chr2:185,796,307, T>C. VCF-style: chr2-185796307-T-C. GRCh37 (hg19) VCF-style: chr2-186661034-T-C.
Identifiers: ClinVar variation 3032624 (VCV003032624.2), dbSNP rs573208545, ClinGen allele CA61751044.

ClinVar aggregate classification (germline): Likely benign (0 of 4 stars; one submission).

Conditions:
FSIP2-related disorder. Also called: FSIP2-related condition.

Allele frequency attached by ClinVar (database versions not stated): gnomAD exomes 0.00003; gnomAD 0.00005; TOPMed 0.00011.
gnomAD v4.1: 53 of 1,533,642 alleles (0.0035%); highest among the groups gnomAD compares: Admixed American, 0.1%; no homozygotes.

Submission:

PreventionGenetics, part of Exact Sciences
Classification: Likely benign for FSIP2-related condition. Last evaluated: 2022-02-21. Review status: no assertion criteria provided. Collection method: clinical testing. Allele origin: germline.
Comment: This variant is classified as likely benign based on ACMG/AMP sequence variant interpretation guidelines (Richards et al. 2015 PMID: 25741868, with internal and published modifications).